The following is an entry in ClinVar:

ClinVar aggregate classification (germline): Conflicting classifications of pathogenicity. Review status: criteria provided, conflicting classifications (1 of 4 stars). 5 submissions from 5 submitters: Uncertain significance (4); Likely benign (1). Last evaluated 2025-10-18.

Conditions:
Inborn genetic diseases. Identifiers: MedGen C0950123, MeSH D030342.

Allele frequency attached by ClinVar (database versions not stated): ExAC 0.00006; gnomAD 0.00007 and 0.00008; TOPMed 0.00008; gnomAD exomes 0.00009 and 0.00014; ESP Exome Variant Server 0.00015.
gnomAD v4.1: 215 of 1,613,734 alleles (0.013%); highest among the groups gnomAD compares: Middle Eastern, 0.033%; 1 homozygote.

Submissions (5):

Labcorp Genetics (formerly Invitae), Labcorp
Classification: Uncertain significance. Last evaluated: 2025-10-18. Review status: criteria provided, single submitter. Criteria: Invitae Variant Classification Sherloc (09022015). Collection method: clinical testing. Allele origin: germline.
Comment: This sequence change replaces arginine, which is basic and polar, with histidine, which is basic and polar, at codon 1529 of the SAMD9 protein (p.Arg1529His). This variant is present in population databases (rs149966534, gnomAD 0.02%), including at least one homozygous and/or hemizygous individual. This missense change has been observed in individual(s) with myelodysplastic syndrome (PMID: 34621053). ClinVar contains an entry for this variant (Variation ID: 521334). Invitae Evidence Modeling of protein sequence and biophysical properties (such as structural, functional, and spatial information, amino acid conservation, physicochemical variation, residue mobility, and thermodynamic stability) has been performed for this missense variant. However, the output from this modeling did not meet the statistical confidence thresholds required to predict the impact of this variant on SAMD9 protein function. Experimental studies have shown that this missense change affects SAMD9 function (PMID: 34621053). In summary, the available evidence is currently insufficient to determine the role of this variant in disease. Therefore, it has been classified as a Variant of Uncertain Significance.

GeneDx
Classification: Uncertain significance. Last evaluated: 2024-09-24. Review status: criteria provided, single submitter. Criteria: GeneDx Variant Classification Process June 2021. Collection method: clinical testing. Allele origin: germline. Affected: yes.
Comment: Published functional studies suggest a damaging effect: increased cell growth suppression compared to wildtype (PMID: 34621053); Observed in a pediatric patient with myelodysplastic syndrome; however, it is not certain the variant was present in the germline (PMID: 34621053); In silico analysis supports that this missense variant has a deleterious effect on protein structure/function; This variant is associated with the following publications: (PMID: 34621053, 28545555)

CeGaT Center for Human Genetics Tuebingen
Classification: Likely benign. Last evaluated: 2022-11-01. Review status: criteria provided, single submitter. Criteria: CeGaT Center For Human Genetics Tuebingen Variant Classification Criteria Version 2. Collection method: clinical testing. Allele origin: germline. Affected: yes. Observed: 1 variant allele.
Comment: SAMD9: BP4, BS2

Genetic Services Laboratory, University of Chicago
Classification: Uncertain significance. Last evaluated: 2020-04-17. Review status: criteria provided, single submitter. Criteria: ACMG Guidelines, 2015. Collection method: clinical testing. Allele origin: germline. Affected: no.
Comment: DNA sequence analysis of the SAMD9 gene demonstrated a sequence change, c.4586G>A, in exon 3 that results in an amino acid change, p.Arg1529His. This sequence change does not appear to have been previously described in patients with SAMD9-related disorders and has been described in the gnomAD database with a low population frequency of 0.0085% (dbSNP rs149966534). The p.Arg1529His change affects a moderately conserved amino acid residue located in a domain of the SAMD9 protein that is not known to be functional. In-silico pathogenicity prediction tools (SIFT, PolyPhen2, Align GVGD, REVEL) provide contradictory results for the p.Arg1529His substitution. Due to these contrasting evidences and the lack of functional studies, the clinical significance of the p.Arg1529His change remains unknown at this time.

Ambry Genetics
Classification: Uncertain significance for Inborn genetic diseases. Last evaluated: 2016-11-01. Review status: criteria provided, single submitter. Criteria: Ambry exome assertion method (8-5-2015). Collection method: clinical testing. Allele origin: germline. Affected: yes. Observed: 1 variant allele.

Literature cited by the submitters: PubMed 34621053 (cited by Labcorp Genetics (formerly Invitae), Labcorp).

NM_017654.4(SAMD9):c.4586G>A (p.Arg1529His)

Gene: SAMD9 (sterile alpha motif domain containing 9; minus strand). Cytogenetic location: 7q21.2.
Variant type: single nucleotide variant.
Coding change: c.4586G>A on transcript NM_017654.4 (MANE Select); coding-DNA position 4586, G replaced by A.
Protein change: p.Arg1529His; replaces arginine 1529 with histidine.
Molecular consequence: missense variant.
Genome position (GRCh38, 1-based): chr7:93,101,512, C>T on the plus strand (G>A on the coding strand, the complement: SAMD9 is on the minus strand). VCF-style: chr7-93101512-C-T. GRCh37 (hg19) VCF-style: chr7-92730825-C-T.
Other names: c.4586G>A, p.Arg1529His (NM_001193307.2); short protein forms R1529H.
Identifiers: ClinVar variation 521334 (VCV000521334.41), dbSNP rs149966534, ClinGen allele CA4342530.